The following is an entry in ClinVar:

ClinVar aggregate classification (germline): Likely benign (0 of 4 stars; one submission).

Conditions:
Polycystic kidney disease. Also called: Polycystic kidney dysplasia; Kidney, Polycystic. Identifiers: MedGen C0022680, MeSH D007690, MONDO:0020642, HP:0000113.

Allele frequency attached by ClinVar (database versions not stated): gnomAD exomes below 0.00001; TOPMed 0.00001.
gnomAD v4.1: 6 of 1,594,542 alleles (0.00038%); highest among the groups gnomAD compares: Non-Finnish European, 0.00051%; no homozygotes.

Submission:

Department of Pathology and Laboratory Medicine, Sinai Health System
Classification: Likely benign for Polycystic Kidney disease. Review status: no assertion criteria provided. Collection method: clinical testing. Allele origin: unknown. Affected: yes. Observed: 1 variant allele. Study: The Canadian Open Genetics Repository (COGR).
Comment: The PKD1 p.Ser819= variant was not identified in the literature nor was it identified in the dbSNP, ClinVar, LOVD 3.0, ADPKD Mutation Database, or PKD1-LOVD databases. The variant was identified in 1 of 30914 chromosomes at a frequency of 0.00003 (Genome Aggregation Database Feb 27, 2017). The variant was observed in the European population in 1 of 14972 chromosomes (freq: 0.00007), but not in the Ashkenazi Jewish, Latino, Other, African, East Asian, Finnish, or South Asian populations. The p.Ser819= variant is not expected to have clinical significance because it does not result in a change of amino acid and is not located in a known consensus splice site. In addition, in silico or computational prediction software programs (SpliceSiteFinder, MaxEntScan, NNSPLICE, GeneSplicer) do not predict a difference in splicing. In summary, based on the above information, the clinical significance of this variant cannot be determined with certainty at this time although we would lean towards a more benign role for this variant. This variant is classified as likely benign.

NM_001009944.3(PKD1):c.2457C>T (p.Ser819=)

Gene: PKD1 (polycystin 1, transient receptor potential channel interacting; minus strand). Cytogenetic location: 16p13.3.
Variant type: single nucleotide variant.
Coding change: c.2457C>T on transcript NM_001009944.3 (MANE Select); coding-DNA position 2457, C replaced by T.
Protein change: p.Ser819=; no amino-acid change (serine 819 retained).
Molecular consequence: synonymous variant.
Genome position (GRCh38, 1-based): chr16:2,114,566, G>A on the plus strand (C>T on the coding strand, the complement: PKD1 is on the minus strand). VCF-style: chr16-2114566-G-A. GRCh37 (hg19) VCF-style: chr16-2164567-G-A.
Other names: c.2457C>T, p.Ser819= (NM_000296.4).
Identifiers: ClinVar variation 997159 (VCV000997159.1), dbSNP rs1454717343, ClinGen allele CA493049395.